The following is an entry in ClinVar:

ClinVar aggregate classification (germline): Benign/Likely benign. Review status: criteria provided, multiple submitters, no conflicts (2 of 4 stars). 14 submissions from 14 submitters: Benign (3); Likely benign (9). 2 of the submissions do not count toward it. Last evaluated 2026-09-21.

Conditions:
Familial thoracic aortic aneurysm and aortic dissection (TAAD). Also called: Thoracic aortic aneurysms and dissections. Identifiers: Orphanet 91387, MedGen C4707243, MONDO:0019625.
Aortic aneurysm, familial thoracic 4 (AAT4). Also called: AORTIC ANEURYSM/AORTIC DISSECTION AND PATENT DUCTUS ARTERIOSUS. Identifiers: MedGen C1851504, MONDO:0007568, OMIM 132900.

Allele frequency attached by ClinVar (database versions not stated): ESP Exome Variant Server 0.00008; gnomAD exomes 0.00018 and 0.00030; ExAC 0.00026; gnomAD 0.00026; 1000 Genomes Project 0.00040; 1000 Genomes Project 30x 0.00047; TOPMed 0.00047.
gnomAD v4.1: 322 of 1,614,166 alleles (0.02%); highest among the groups gnomAD compares: Middle Eastern, 0.28%; 1 homozygote.

Submissions (14):

Molecular Diagnostic Laboratory for Inherited Cardiovascular Disease, Montreal Heart Institute
Classification: Likely benign. Last evaluated: 2026-09-21. Review status: criteria provided, single submitter. Criteria: ACMG Guidelines, 2015. Collection method: clinical testing. Allele origin: germline. Affected: no.
Comment: BS1;BP7

CeGaT Center for Human Genetics Tuebingen
Classification: Likely benign. Last evaluated: 2026-08-01. Review status: criteria provided, single submitter. Criteria: CeGaT Center For Human Genetics Tuebingen Variant Classification Criteria Version 2. Collection method: clinical testing. Allele origin: germline. Affected: yes. Observed: 3 variant alleles.
Comment: MYH11: BP4, BP7

Labcorp Genetics (formerly Invitae), Labcorp
Classification: Benign for Aortic aneurysm, familial thoracic 4. Last evaluated: 2026-01-20. Review status: criteria provided, single submitter. Criteria: Invitae Variant Classification Sherloc (09022015). Collection method: clinical testing. Allele origin: germline.

Mayo Clinic Laboratories, Mayo Clinic
Classification: Likely benign. Last evaluated: 2025-09-05. Review status: criteria provided, single submitter. Criteria: ACMG Guidelines, 2015. Collection method: clinical testing. Allele origin: germline. Observed: 1 variant allele.
Comment: BS1, BP4, BP7

ARUP Laboratories, Molecular Genetics and Genomics, ARUP Laboratories
Classification: Benign. Last evaluated: 2024-12-25. Review status: criteria provided, single submitter. Criteria: ARUP Molecular Germline Variant Investigation Process 2024. Collection method: clinical testing. Allele origin: germline.

Blueprint Genetics
Classification: Likely benign. Last evaluated: 2024-11-13. Review status: criteria provided, single submitter. Criteria: ACMG Guidelines, 2015. Collection method: clinical testing. Allele origin: germline.

All of Us Research Program, National Institutes of Health
Classification: Likely benign for Familial thoracic aortic aneurysm and aortic dissection. Last evaluated: 2024-02-05. Review status: criteria provided, single submitter. Criteria: ACMG Guidelines, 2015. Collection method: clinical testing. Allele origin: germline. Inheritance: Autosomal dominant inheritance. Observed: 80 variant alleles, 80 heterozygotes.
Comment: This study involves interpretation of variants in research participants for the purpose of population health screening. Participant phenotype was not available at the time of variant classification. Additional details can be found in publication PMID: 35346344, PMCID: PMC8962531

Women's Health and Genetics/Laboratory Corporation of America, LabCorp
Classification: Benign. Last evaluated: 2019-10-22. Review status: criteria provided, single submitter. Criteria: LabCorp Variant Classification Summary - May 2015. Collection method: clinical testing. Allele origin: germline.
Comment: Variant summary: MYH11 c.4218G>A results in a synonymous change. 5/5 computational tools predict no significant impact on normal splicing. However, these predictions have yet to be confirmed by functional studies. The variant allele was found at a frequency of 0.0003 in 251442 control chromosomes, predominantly at a frequency of 0.0011 within the Latino subpopulation in the gnomAD database. The observed variant frequency within Latino control individuals in the gnomAD database is approximately 880 fold of the estimated maximal expected allele frequency for a pathogenic variant in MYH11 causing Aortopathy phenotype (1.3e-06), strongly suggesting that the variant is a benign polymorphism found primarily in populations of Latino origin. To our knowledge, no occurrence of c.4218G>A in individuals affected with Aortopathy and no experimental evidence demonstrating its impact on protein function have been reported. Three ClinVar submissions (evaluation after 2014) cite the variant twice as likely benign and once as benign. Based on the evidence outlined above, the variant was classified as benign.

Color Diagnostics, LLC DBA Color Health
Classification: Likely benign for Familial thoracic aortic aneurysm and aortic dissection. Last evaluated: 2018-11-27. Review status: criteria provided, single submitter. Criteria: ACMG Guidelines, 2015. Collection method: clinical testing. Allele origin: germline.

GeneDx
Classification: Likely benign. Last evaluated: 2018-01-11. Review status: criteria provided, single submitter. Criteria: GeneDx Variant Classification (06012015). Collection method: clinical testing. Allele origin: germline. Affected: yes.
Comment: This variant is considered likely benign or benign based on one or more of the following criteria: it is a conservative change, it occurs at a poorly conserved position in the protein, it is predicted to be benign by multiple in silico algorithms, and/or has population frequency not consistent with disease.

Ambry Genetics
Classification: Likely benign for Familial thoracic aortic aneurysm and aortic dissection. Last evaluated: 2015-10-21. Review status: criteria provided, single submitter. Criteria: Ambry Variant Classification Scheme 2023. Collection method: clinical testing. Allele origin: germline.

PreventionGenetics, part of Exact Sciences
Classification: Likely benign. Review status: criteria provided, single submitter. Criteria: ACMG Guidelines, 2015. Collection method: clinical testing. Allele origin: germline.

Genome Diagnostics Laboratory, Amsterdam University Medical Center
Classification: Likely benign. Review status: no assertion criteria provided. Collection method: clinical testing. Allele origin: germline. Affected: yes. Study: VKGL Data-share Consensus. Not counted in ClinVar's aggregate classification.

Joint Genome Diagnostic Labs from Nijmegen and Maastricht, Radboudumc and MUMC+
Classification: Likely benign. Review status: no assertion criteria provided. Collection method: clinical testing. Allele origin: germline. Affected: yes. Study: VKGL Data-share Consensus. Not counted in ClinVar's aggregate classification.

NM_002474.3(MYH11):c.4197G>A (p.Lys1399=)

Genes: MYH11 (myosin heavy chain 11; minus strand), NDE1 (nudE neurodevelopment protein 1; plus strand). Cytogenetic location: 16p13.11.
Variant type: single nucleotide variant.
Coding change: c.4197G>A on transcript NM_002474.3 (MANE Select); coding-DNA position 4197, G replaced by A.
Protein change: p.Lys1399=; no amino-acid change (lysine 1399 retained).
Molecular consequence: synonymous variant. On other transcripts: 3 prime UTR variant (2).
Genome position (GRCh38, 1-based): chr16:15,724,329, C>T on the plus strand (G>A on the coding strand, the complement: MYH11 is on the minus strand). VCF-style: chr16-15724329-C-T. GRCh37 (hg19) VCF-style: chr16-15818186-C-T.
Other names: p.Lys1406=; c.4218G>A, p.Lys1406= (NM_001040113.2, NM_001040114.2); c.4197G>A, p.Lys1399= (NM_022844.3); c.*78C>T (NM_001143979.2, NM_017668.3).
Identifiers: ClinVar variation 221033 (VCV000221033.80), dbSNP rs113302393, ClinGen allele CA348975.